The following is an entry in ClinVar:

NM_002439.5(MSH3):c.994G>T (p.Ala332Ser)

Genes: MSH3 (mutS homolog 3; plus strand), LOC126807437 (MED14-independent group 3 enhancer GRCh37_chr5:79968379-79969578; plus strand). Cytogenetic location: 5q14.1.
Variant type: single nucleotide variant.
Coding change: c.994G>T on transcript NM_002439.5 (MANE Select); coding-DNA position 994, G replaced by T.
Protein change: p.Ala332Ser; replaces alanine 332 with serine.
Molecular consequence: missense variant.
Genome position (GRCh38, 1-based): chr5:80,672,825, G>T. VCF-style: chr5-80672825-G-T. GRCh37 (hg19) VCF-style: chr5-79968644-G-T.
Other names: short protein forms A332S.
Identifiers: ClinVar variation 1768707 (VCV001768707.7), dbSNP rs2112814354, ClinGen allele CA360267496.

ClinVar aggregate classification (germline): Uncertain significance. Review status: criteria provided, multiple submitters, no conflicts (2 of 4 stars). 2 submissions from 2 submitters: Uncertain significance (2). Last evaluated 2024-02-17.

Conditions:
Hereditary cancer-predisposing syndrome. Also called: Hereditary Cancer Syndrome; Hereditary neoplastic syndrome; Neoplastic Syndromes, Hereditary; Tumor predisposition. Identifiers: Orphanet 140162, MedGen C0027672, MeSH D009386, MONDO:0015356.

Submissions (2):

Labcorp Genetics (formerly Invitae), Labcorp
Classification: Uncertain significance. Last evaluated: 2024-02-17. Review status: criteria provided, single submitter. Criteria: Invitae Variant Classification Sherloc (09022015). Collection method: clinical testing. Allele origin: germline.
Comment: This sequence change replaces alanine, which is neutral and non-polar, with serine, which is neutral and polar, at codon 332 of the MSH3 protein (p.Ala332Ser). This variant is not present in population databases (gnomAD no frequency). This variant has not been reported in the literature in individuals affected with MSH3-related conditions. ClinVar contains an entry for this variant (Variation ID: 1768707). An algorithm developed to predict the effect of missense changes on protein structure and function (PolyPhen-2) suggests that this variant is likely to be disruptive. In summary, the available evidence is currently insufficient to determine the role of this variant in disease. Therefore, it has been classified as a Variant of Uncertain Significance.

Ambry Genetics
Classification: Uncertain significance for Hereditary cancer-predisposing syndrome. Last evaluated: 2021-05-21. Review status: criteria provided, single submitter. Criteria: Ambry Variant Classification Scheme 2023. Collection method: clinical testing. Allele origin: germline.
Comment: The p.A332S variant (also known as c.994G>T), located in coding exon 6 of the MSH3 gene, results from a G to T substitution at nucleotide position 994. The alanine at codon 332 is replaced by serine, an amino acid with similar properties. This amino acid position is highly conserved in available vertebrate species. In addition, this alteration is predicted to be tolerated by in silico analysis. Since supporting evidence is limited at this time, the clinical significance of this alteration remains unclear.